The following is an entry in ClinVar:

ClinVar aggregate classification (germline): Uncertain significance (1 of 4 stars; one submission).

Conditions:
Joubert syndrome. Also called: Familial aplasia of the vermis; CEREBELLOPARENCHYMAL DISORDER IV; JOUBERT-BOLTSHAUSER SYNDROME. Identifiers: Orphanet 475, MedGen C5979921, MONDO:0018772.

Submission:

Labcorp Genetics (formerly Invitae), Labcorp
Classification: Uncertain significance for Joubert syndrome. Last evaluated: 2024-04-05. Review status: criteria provided, single submitter. Criteria: Invitae Variant Classification Sherloc (09022015). Collection method: clinical testing. Allele origin: germline.
Comment: This sequence change replaces leucine, which is neutral and non-polar, with phenylalanine, which is neutral and non-polar, at codon 89 of the TMEM216 protein (p.Leu89Phe). Information on the frequency of this variant in the gnomAD database is not available, as this variant may be reported differently in the database. This variant has not been reported in the literature in individuals affected with TMEM216-related conditions. ClinVar contains an entry for this variant (Variation ID: 1046838). Experimental studies and prediction algorithms are not available or were not evaluated, and the functional significance of this variant is currently unknown. In summary, the available evidence is currently insufficient to determine the role of this variant in disease. Therefore, it has been classified as a Variant of Uncertain Significance.

NM_001173990.3(TMEM216):c.264_265delinsAT (p.Leu89Phe)

Gene: TMEM216 (transmembrane protein 216; plus strand). Cytogenetic location: 11q12.2.
Variant type: Indel.
Coding change: c.264_265delinsAT on transcript NM_001173990.3 (MANE Select); coding-DNA positions 264 to 265, GC replaced by AT.
Protein change: p.Leu89Phe; replaces leucine 89 with phenylalanine.
Molecular consequence: missense variant.
Genome position (GRCh38, 1-based): chr11:61,397,808-61,397,809, GC replaced by AT. VCF-style: chr11-61397808-GC-AT. GRCh37 (hg19) VCF-style: chr11-61165280-GC-AT.
Other names: c.264_265delinsAT, p.Leu89Phe (NM_001173991.3); c.81_82delinsAT, p.Leu28Phe (NM_001330285.2, NM_016499.6); short protein forms L28F, L89F.
Identifiers: ClinVar variation 1046838 (VCV001046838.3), dbSNP rs1858831429, ClinGen allele CA1977300106.
Genomic context (GRCh38, chr11:61,397,808, plus strand): 5'-ATGACTCCATGGGCTGTGTCTGACAGGTACAAAGGGAAACCTCTGCCAGCGAAAGATGCC[GC>AT]TCAGTATTAGCGTGGCCTTGACCTTCCCATCTGCCATGATGGCCTCCTATTACCTGCTGC-3'
Protein context (NP_001167461.1, residues 79-99): KGNLCQRKMP[Leu89Phe]SISVALTFPS